The following is an entry in ClinVar:

ClinVar aggregate classification (germline): Pathogenic (1 of 4 stars; one submission).

Conditions:
Peroxisome biogenesis disorder 3A (Zellweger). Also called: PEROXISOMAL BIOGENESIS DISORDER 3A (ZELLWEGER); Peroxisome biogenesis disorder 3A. Identifiers: Orphanet 912, MedGen C3553929, MONDO:0013927, OMIM 614859.

Submission:

Labcorp Genetics (formerly Invitae), Labcorp
Classification: Pathogenic for Peroxisome biogenesis disorder 3A (Zellweger). Last evaluated: 2023-11-06. Review status: criteria provided, single submitter. Criteria: Invitae Variant Classification Sherloc (09022015). Collection method: clinical testing. Allele origin: germline.
Comment: This sequence change creates a premature translational stop signal (p.Arg102Ilefs*3) in the PEX12 gene. It is expected to result in an absent or disrupted protein product. Loss-of-function variants in PEX12 are known to be pathogenic (PMID: 9090384, 9632816, 21031596). This variant is not present in population databases (gnomAD no frequency). This variant has not been reported in the literature in individuals affected with PEX12-related conditions. For these reasons, this variant has been classified as Pathogenic.

Literature cited by the submitters: PubMed 9090384; PubMed 9632816; PubMed 21031596.

NM_000286.3(PEX12):c.305_306del (p.Arg102fs)

Gene: PEX12 (peroxisomal biogenesis factor 12; minus strand). Cytogenetic location: 17q12.
Variant type: Microsatellite.
Coding change: c.305_306del on transcript NM_000286.3 (MANE Select); coding-DNA positions 305 to 306, 2 bases deleted (GA; older notation c.305_306delGA).
Protein change: p.Arg102fs; shifts the reading frame from arginine 102.
Molecular consequence: frameshift variant.
Genome position (GRCh38, 1-based): chr17:35,577,412-35,577,413, TC deleted on the plus strand (GA on the coding strand, the reverse complement: PEX12 is on the minus strand); deleting any 2 consecutive bases within chr17:35,577,412-35,577,416 gives the same sequence; the c. name uses the placement nearest the transcript's 3' end. VCF-style (leftmost placement, unchanged base first): chr17-35577411-ATC-A. GRCh37 (hg19) VCF-style: chr17-33904430-ATC-A.
Other names: short protein forms R102fs.
Identifiers: ClinVar variation 1374439 (VCV001374439.6), dbSNP rs2142230957, ClinGen allele CA2580613432.
Genomic context (GRCh38, chr17:35,577,411, plus strand): 5'-GAAGAACCAGGAACATAATAGATTTCCAAAGCTGCTGCTTTGGGAGACCAGCACTAGCCA[ATC>A]TCTGAGACTTGTGAGTGTCCCCCATTACAATTCTCTTTAAGCCGTAAAAGTTTTCAGAAA-3'